The following is an entry in ClinVar:

NM_001371986.1(UNC80):c.5249C>A (p.Pro1750Gln)

Genes: UNC80 (unc-80 subunit of NALCN channel complex; plus strand), LOC126806490 (P300/CBP strongly-dependent group 1 enhancer GRCh37_chr2:210782411-210783610; plus strand). Cytogenetic location: 2q34.
Variant type: single nucleotide variant.
Coding change: c.5249C>A on transcript NM_001371986.1 (MANE Select); coding-DNA position 5249, C replaced by A.
Protein change: p.Pro1750Gln; replaces proline 1750 with glutamine.
Molecular consequence: missense variant.
Genome position (GRCh38, 1-based): chr2:209,918,569, C>A. VCF-style: chr2-209918569-C-A. GRCh37 (hg19) VCF-style: chr2-210783293-C-A.
Other names: c.5051C>A, p.Pro1684Gln (NM_032504.2); c.5036C>A, p.Pro1679Gln (NM_182587.4); short protein forms P1679Q, P1684Q, P1750Q.
Identifiers: ClinVar variation 2010105 (VCV002010105.4), dbSNP rs961514821, ClinGen allele CA350760007.

ClinVar aggregate classification (germline): Uncertain significance (1 of 4 stars; one submission).

gnomAD v4.1: 1 of 1,552,218 alleles (0.000064%); highest among the groups gnomAD compares: Non-Finnish European, 0.000087%; no homozygotes.

Submission:

Labcorp Genetics (formerly Invitae), Labcorp
Classification: Uncertain significance. Last evaluated: 2024-04-08. Review status: criteria provided, single submitter. Criteria: Invitae Variant Classification Sherloc (09022015). Collection method: clinical testing. Allele origin: germline.
Comment: This sequence change replaces proline, which is neutral and non-polar, with glutamine, which is neutral and polar, at codon 1684 of the UNC80 protein (p.Pro1684Gln). This variant is not present in population databases (gnomAD no frequency). This variant has not been reported in the literature in individuals affected with UNC80-related conditions. ClinVar contains an entry for this variant (Variation ID: 2010105). Advanced modeling of protein sequence and biophysical properties (such as structural, functional, and spatial information, amino acid conservation, physicochemical variation, residue mobility, and thermodynamic stability) performed at Invitae indicates that this missense variant is not expected to disrupt UNC80 protein function with a negative predictive value of 80%. Algorithms developed to predict the effect of sequence changes on RNA splicing suggest that this variant may disrupt the consensus splice site. In summary, the available evidence is currently insufficient to determine the role of this variant in disease. Therefore, it has been classified as a Variant of Uncertain Significance.